The following is an entry in ClinVar:

NM_182914.3(SYNE2):c.4384G>T (p.Ala1462Ser)

Gene: SYNE2 (spectrin repeat containing nuclear envelope protein 2; plus strand). Cytogenetic location: 14q23.2.
Variant type: single nucleotide variant.
Coding change: c.4384G>T on transcript NM_182914.3 (MANE Select); coding-DNA position 4384, G replaced by T.
Protein change: p.Ala1462Ser; replaces alanine 1462 with serine.
Molecular consequence: missense variant.
Genome position (GRCh38, 1-based): chr14:64,003,317, G>T. VCF-style: chr14-64003317-G-T. GRCh37 (hg19) VCF-style: chr14-64470035-G-T.
Other names: c.4384G>T, p.Ala1462Ser (NM_015180.6); short protein forms A1462S.
Identifiers: ClinVar variation 4178593 (VCV004178593.2).

ClinVar aggregate classification (germline): Uncertain significance. Review status: criteria provided, multiple submitters, no conflicts (2 of 4 stars). 2 submissions from 2 submitters: Uncertain significance (2). Last evaluated 2025-10-28.

Conditions:
Emery-Dreifuss muscular dystrophy 5, autosomal dominant (EDMD5). Also called: EMERY-DREIFUSS MUSCULAR DYSTROPHY 5. Identifiers: Orphanet 261, MedGen C2751805, MONDO:0013072, OMIM 612999.

gnomAD v4.1: 37 of 1,613,954 alleles (0.0023%); highest among the groups gnomAD compares: South Asian, 0.035%; no homozygotes.

Submissions (2):

Labcorp Genetics (formerly Invitae), Labcorp
Classification: Uncertain significance for Emery-Dreifuss muscular dystrophy 5, autosomal dominant. Last evaluated: 2025-10-28. Review status: criteria provided, single submitter. Criteria: Invitae Variant Classification Sherloc (09022015). Collection method: clinical testing. Allele origin: germline.
Comment: This sequence change replaces alanine, which is neutral and non-polar, with serine, which is neutral and polar, at codon 1462 of the SYNE2 protein (p.Ala1462Ser). This variant is present in population databases (rs769221527, gnomAD 0.02%). This variant has not been reported in the literature in individuals affected with SYNE2-related conditions. ClinVar contains an entry for this variant (Variation ID: 4178593). An algorithm developed to predict the effect of missense changes on protein structure and function (PolyPhen-2) suggests that this variant is likely to be disruptive. In summary, the available evidence is currently insufficient to determine the role of this variant in disease. Therefore, it has been classified as a Variant of Uncertain Significance.

Ambry Genetics
Classification: Uncertain significance. Last evaluated: 2025-08-07. Review status: criteria provided, single submitter. Criteria: Ambry Variant Classification Scheme 2023. Collection method: clinical testing. Allele origin: germline.